The following is an entry in ClinVar:

ClinVar aggregate classification (germline): Likely benign. Review status: criteria provided, single submitter (1 of 4 stars). 2 submissions from 2 submitters: Likely benign (1). 1 of the submissions does not count toward it. Last evaluated 2023-07-17.

Conditions:
Early-infantile DEE. Also called: Early infantile epileptic encephalopathy; Ohtahara syndrome; Early infantile epileptic encephalopathy with suppression bursts. Identifiers: Orphanet 1934, MedGen C0393706, MONDO:0800491.
Developmental and epileptic encephalopathy, 24 (DEE24). Also called: Epileptic encephalopathy, early infantile, 24. Identifiers: Orphanet 442835, MedGen C4014531, MONDO:0014377, OMIM 615871.

Allele frequency attached by ClinVar (database versions not stated): ExAC 0.00001.
gnomAD v4.1: 5 of 1,613,932 alleles (0.00031%); highest among the groups gnomAD compares: South Asian, 0.0044%; no homozygotes.

Submissions (2):

Labcorp Genetics (formerly Invitae), Labcorp
Classification: Likely benign for Early-infantile DEE. Last evaluated: 2023-07-17. Review status: criteria provided, single submitter. Criteria: Invitae Variant Classification Sherloc (09022015). Collection method: clinical testing. Allele origin: germline.

Hong-Tao Li Lab, Institute of Brain Science and Brain-inspired Research, Shandong First Medical University & Shandong Academy of Medical Sciences China
Classification: Uncertain significance for Developmental and epileptic encephalopathy, 24. Review status: no assertion criteria provided. Collection method: research. Allele origin: germline. Inheritance: Autosomal dominant inheritance. Affected: yes. Observed: 1 variant allele, 1 heterozygote. Not counted in ClinVar's aggregate classification.
Comment: Observed in affected individuals from a Pakistani neurodevelopmental-disorder research cohort of 263 individuals. Classification assigned using the ACMG/AMP framework. Population-frequency evidence: gnomAD AF 3.977e-06.

NM_021072.4(HCN1):c.2018T>G (p.Leu673Arg)

Gene: HCN1 (hyperpolarization activated cyclic nucleotide gated potassium channel 1; minus strand). Cytogenetic location: 5p12.
Variant type: single nucleotide variant.
Coding change: c.2018T>G on transcript NM_021072.4 (MANE Select); coding-DNA position 2018, T replaced by G.
Protein change: p.Leu673Arg; replaces leucine 673 with arginine.
Molecular consequence: missense variant.
Genome position (GRCh38, 1-based): chr5:45,262,576, A>C on the plus strand (T>G on the coding strand, the complement: HCN1 is on the minus strand). VCF-style: chr5-45262576-A-C. GRCh37 (hg19) VCF-style: chr5-45262678-A-C.
Other names: short protein forms L673R.
Identifiers: ClinVar variation 2795440 (VCV002795440.4), dbSNP rs750680736, ClinGen allele CA3259178.